The following continues an entry in ClinVar:

NM_201253.3(CRB1):c.2843G>A (p.Cys948Tyr)

Gene: CRB1. ClinVar aggregate classification (germline): Pathogenic. Pathogenic (29).

Submissions 16 to 39 of 39:

Genome-Nilou Lab
Classification: Pathogenic for Retinitis pigmentosa 12. Last evaluated: 2023-04-11. Review status: criteria provided, single submitter. Criteria: ACMG Guidelines, 2015. Collection method: clinical testing. Allele origin: germline. Affected: no.

Institute of Medical Genetics and Applied Genomics, University Hospital Tübingen
Classification: Pathogenic for Retinitis pigmentosa 12. Last evaluated: 2023-02-27. Review status: criteria provided, single submitter. Criteria: ACMG Guidelines, 2015. Collection method: clinical testing. Allele origin: germline. Inheritance: Autosomal recessive inheritance. Affected: yes.

AURAGEN, Plan France Médecine Génomique
Classification: Pathogenic for Retinal disorder. Last evaluated: 2022-07-07. Review status: criteria provided, single submitter. Criteria: PFMG2025 (Lancet Reg Health Eur. 2025). Collection method: clinical testing. Allele origin: germline. Affected: yes.

MGZ Medical Genetics Center
Classification: Pathogenic for Retinitis pigmentosa 12. Last evaluated: 2022-05-20. Review status: criteria provided, single submitter. Criteria: ACMG Guidelines, 2015. Collection method: clinical testing. Allele origin: germline. Affected: yes. Observed: 1 variant allele.
Comment: ACMG criteria applied: PM3_VSTR, PS4, PM5, PP1, PP3

CeGaT Center for Human Genetics Tuebingen
Classification: Pathogenic. Last evaluated: 2022-01-01. Review status: criteria provided, single submitter. Criteria: CeGaT Center For Human Genetics Tuebingen Variant Classification Criteria Version 2. Collection method: clinical testing. Allele origin: germline. Affected: yes. Observed: 4 variant alleles.

Institute of Human Genetics, Univ. Regensburg, Univ. Regensburg
Classification: Pathogenic for Retinal dystrophy. Last evaluated: 2022-01-01. Review status: criteria provided, single submitter. Criteria: ACMG Guidelines, 2015. Collection method: clinical testing. Allele origin: germline. Affected: yes.

GeneDx
Classification: Pathogenic. Last evaluated: 2021-12-28. Review status: criteria provided, single submitter. Criteria: GeneDx Variant Classification Process June 2021. Collection method: clinical testing. Allele origin: germline. Affected: yes.
Comment: One of the most common pathogenic variants reported in the CRB1 gene, accounting for up to 24% of disease-causing alleles in some studies (Bujakowska et al., 2012); In silico analysis supports that this missense variant has a deleterious effect on protein structure/function; This variant is associated with the following publications: (PMID: 19401883, 23379534, 25474345, 12700176, 16205573, 16272259, 16505055, 18055816, 18055820, 18334942, 20591486, 20683928, 21757580, 24512366, 24516651, 25342620, 23591405, 11389483, 15459956, 12843338, 10508521, 20956273, 15024725, 11231775, 27113771, 26914788, 28181551, 28341475, 28341476, 22065545, 29178642, 29343940, 28157192, 30576320, 30337596, 30718709, 28559085, 32141364, 32581362, 31589614, 33576794, 33029571, 32865313)

Mendelics
Classification: Pathogenic for Leber congenital amaurosis 8. Last evaluated: 2020-07-18. Review status: criteria provided, single submitter. Criteria: Mendelics Assertion Criteria 2017. Collection method: clinical testing. Allele origin: unknown.

Centre for Mendelian Genomics, University Medical Centre Ljubljana
Classification: Pathogenic for Pigmented paravenous retinochoroidal atrophy. Last evaluated: 2019-01-26. Review status: criteria provided, single submitter. Criteria: ACMG Guidelines, 2015. Collection method: clinical testing. Allele origin: unknown. Affected: yes.
Comment: This variant was classified as: Pathogenic. The following ACMG criteria were applied in classifying this variant: PP2,PP3,PP5.

Illumina Laboratory Services, Illumina
Classification: Pathogenic for CRB1-Related Disorders. Last evaluated: 2018-12-04. Review status: criteria provided, single submitter. Criteria: ICSL Variant Classification Criteria 09 May 2019. Collection method: clinical testing. Allele origin: germline.
Comment: The CRB1 c.2843G>A (p.Cys948Tyr) missense variant is described as the most common variant in individuals with Leber congenital amaurosis (LCA), detected in approximately 20% of probands (Weleber et al 2013). The p.Cys948Tyr variant has been reported in at least four studies in a total of 36 probands with either LCA or retinitis pigmentosa, including in six probands in a homozygous state, in 25 in a compound heterozygous state and in five in a heterozygous state with an unidentified second variant (den Hollander et al. 1999; Lotery et al. 2001; Henderson et al. 2011; Corton et al. 2013). The p.Cys948Tyr variant was absent from 240 unaffected control individuals and is reported at a frequency of 0.000397 in the European (non-Finnish) population of the Genome Aggregation Database. Based on the collective evidence, the p.Cys948Tyr variant is classified as pathogenic for CRB1-related disorders. This variant was observed by ICSL as part of a predisposition screen in an ostensibly healthy population.

Fulgent Genetics
Classification: Pathogenic for Pigmented paravenous retinochoroidal atrophy; Retinitis pigmentosa 12; Leber congenital amaurosis 8. Last evaluated: 2018-10-31. Review status: criteria provided, single submitter. Criteria: ACMG Guidelines, 2015. Collection method: clinical testing. Allele origin: unknown.

Eurofins Ntd Llc (ga)
Classification: Pathogenic. Last evaluated: 2017-11-14. Review status: criteria provided, single submitter. Criteria: EGL Classification Definitions 2015. Collection method: clinical testing. Allele origin: germline. Observed: 2 variant alleles, 2 heterozygotes.

Clinical Genetics Service, Universitary Hospital 12 de Octubre
Classification: Pathogenic for Retinitis pigmentosa 12. Review status: criteria provided, single submitter. Criteria: ACMG Guidelines, 2015. Collection method: clinical testing. Allele origin: germline. Affected: yes.

Genomics England Pilot Project, Genomics England
Classification: Pathogenic for Retinitis pigmentosa 12. Review status: criteria provided, single submitter. Criteria: ACGS Guidelines, 2016. Collection method: clinical testing. Allele origin: germline. Affected: yes.

Department of Clinical Genetics, Copenhagen University Hospital, Rigshospitalet
Classification: Pathogenic for Retinitis pigmentosa. Last evaluated: 2018-04-01. Review status: no assertion criteria provided. Collection method: research. Allele origin: unknown. Affected: yes. Study: VeluxRD. Not counted in ClinVar's aggregate classification.

NIHR Bioresource Rare Diseases, University of Cambridge
Classification: Likely pathogenic for Retinal dystrophy. Last evaluated: 2015-01-01. Review status: no assertion criteria provided. Collection method: research. Allele origin: unknown. Affected: yes. Observed: 1 variant allele. Not counted in ClinVar's aggregate classification.

OMIM
Classification: Pathogenic for LEBER CONGENITAL AMAUROSIS 8. Last evaluated: 2001-03-01. Review status: no assertion criteria provided. Collection method: literature only. Allele origin: germline. Not counted in ClinVar's aggregate classification.

OMIM
Classification: Pathogenic for RETINITIS PIGMENTOSA 12. Last evaluated: 2001-03-01. Review status: no assertion criteria provided. Collection method: literature only. Allele origin: germline. Not counted in ClinVar's aggregate classification.

Clinical Genetics DNA and cytogenetics Diagnostics Lab, Erasmus MC, Erasmus Medical Center
Classification: Pathogenic. Review status: no assertion criteria provided. Collection method: clinical testing. Allele origin: germline. Affected: yes. Study: VKGL Data-share Consensus. Not counted in ClinVar's aggregate classification.

Clinical Genetics, Academic Medical Center
Classification: Pathogenic. Review status: no assertion criteria provided. Collection method: clinical testing. Allele origin: germline. Affected: yes. Study: VKGL Data-share Consensus. Not counted in ClinVar's aggregate classification.

GeneReviews
No classification provided. Condition: Leber congenital amaurosis 8. Review status: no classification provided. Collection method: literature only. Allele origin: unknown. Not counted in ClinVar's aggregate classification.

Joint Genome Diagnostic Labs from Nijmegen and Maastricht, Radboudumc and MUMC+
Classification: Pathogenic. Review status: no assertion criteria provided. Collection method: clinical testing. Allele origin: germline. Affected: yes. Study: VKGL Data-share Consensus. Not counted in ClinVar's aggregate classification.

Laboratory of Genetics in Ophthalmology, Institut Imagine
Classification: Pathogenic for Leber congenital amaurosis 8. Review status: no assertion criteria provided. Collection method: research. Allele origin: inherited. Affected: yes. Observed: 15 variant alleles. Not counted in ClinVar's aggregate classification.

Retina International
No classification provided. Review status: no classification provided. Collection method: not provided. Allele origin: not provided. Not counted in ClinVar's aggregate classification.

Literature cited by the submitters: PubMed 10508521 (cited by 8 submitters); PubMed 18055816 (cited by Labcorp Genetics (formerly Invitae), Labcorp and 3billion); PubMed 19401883 (cited by 3 submitters); PubMed 20956273 (cited by 4 submitters); PubMed 23379534 (cited by 5 submitters); PubMed 24512366 (cited by 4 submitters); PubMed 27113771 (cited by 3 submitters); PubMed 11231775 (cited by 3 submitters); PubMed 32531858 (cited by Natera, Inc. and Institute of Human Genetics, Univ. Regensburg, Univ. Regensburg); PubMed 28005958 (cited by 3billion); PubMed 30718709 (cited by Dasa and Department of Clinical Genetics, Copenhagen University Hospital, Rigshospitalet); PubMed 30576320 (cited by Dasa and Institute of Human Genetics, Univ. Regensburg, Univ. Regensburg); PubMed 26626312 (cited by Dasa); PubMed 36909829 (cited by Ophthalmic Genetics Group, Institute of Molecular and Clinical Ophthalmology Basel); PubMed 25474345 (cited by Institute of Human Genetics, Univ. Regensburg, Univ. Regensburg); PubMed 26914788 (cited by Institute of Human Genetics, Univ. Regensburg, Univ. Regensburg); PubMed 28157192 (cited by Institute of Human Genetics, Univ. Regensburg, Univ. Regensburg); PubMed 28181551 (cited by Institute of Human Genetics, Univ. Regensburg, Univ. Regensburg); PubMed 28559085 (cited by Institute of Human Genetics, Univ. Regensburg, Univ. Regensburg); PubMed 28341475 (cited by Institute of Human Genetics, Univ. Regensburg, Univ. Regensburg); PubMed 28341476 (cited by Institute of Human Genetics, Univ. Regensburg, Univ. Regensburg); PubMed 29178642 (cited by Institute of Human Genetics, Univ. Regensburg, Univ. Regensburg); PubMed 29343940 (cited by Institute of Human Genetics, Univ. Regensburg, Univ. Regensburg); PubMed 30337596 (cited by Institute of Human Genetics, Univ. Regensburg, Univ. Regensburg); PubMed 31589614 (cited by Institute of Human Genetics, Univ. Regensburg, Univ. Regensburg); PubMed 31879567 (cited by Institute of Human Genetics, Univ. Regensburg, Univ. Regensburg); PubMed 31964843 (cited by Institute of Human Genetics, Univ. Regensburg, Univ. Regensburg); PubMed 31429209 (cited by Institute of Human Genetics, Univ. Regensburg, Univ. Regensburg); PubMed 33029571 (cited by Institute of Human Genetics, Univ. Regensburg, Univ. Regensburg); PubMed 32865313 (cited by Institute of Human Genetics, Univ. Regensburg, Univ. Regensburg); PubMed 32581362 (cited by Institute of Human Genetics, Univ. Regensburg, Univ. Regensburg); PubMed 32141364 (cited by Institute of Human Genetics, Univ. Regensburg, Univ. Regensburg); PubMed 33576794 (cited by Institute of Human Genetics, Univ. Regensburg, Univ. Regensburg); PubMed 34327195 (cited by Institute of Human Genetics, Univ. Regensburg, Univ. Regensburg); PubMed 34884448 (cited by Institute of Human Genetics, Univ. Regensburg, Univ. Regensburg); PubMed 34003923 (cited by Institute of Human Genetics, Univ. Regensburg, Univ. Regensburg); PubMed 34758253 (cited by Institute of Human Genetics, Univ. Regensburg, Univ. Regensburg); PubMed 35170635 (cited by Institute of Human Genetics, Univ. Regensburg, Univ. Regensburg); PubMed 35119454 (cited by Institute of Human Genetics, Univ. Regensburg, Univ. Regensburg); PubMed 36460718 (cited by Institute of Human Genetics, Univ. Regensburg, Univ. Regensburg); PubMed 36369640 (cited by Institute of Human Genetics, Univ. Regensburg, Univ. Regensburg); PubMed 36819107 (cited by Institute of Human Genetics, Univ. Regensburg, Univ. Regensburg); PubMed 20301475 (cited by Illumina Laboratory Services, Illumina and GeneReviews); PubMed 28041643 (cited by NIHR Bioresource Rare Diseases, University of Cambridge); NCBI Bookshelf NBK1298 (cited by GeneReviews).